The following is an entry in ClinVar:

ClinVar aggregate classification (germline): Uncertain significance (1 of 4 stars; one submission).

Conditions:
Duchenne muscular dystrophy (DMD). Also called: MUSCULAR DYSTROPHY, PSEUDOHYPERTROPHIC PROGRESSIVE, DUCHENNE TYPE; Duchenne Muscular Dystrophy (DMD). Identifiers: Orphanet 98896, MedGen C0013264, MONDO:0010679, OMIM 310200.

gnomAD v4.1: 2 of 1,210,642 alleles (0.00017%); highest among the groups gnomAD compares: Non-Finnish European, 0.00022%; no homozygotes.

Submission:

Labcorp Genetics (formerly Invitae), Labcorp
Classification: Uncertain significance for Duchenne muscular dystrophy. Last evaluated: 2024-06-18. Review status: criteria provided, single submitter. Criteria: Invitae Variant Classification Sherloc (09022015). Collection method: clinical testing. Allele origin: germline.
Comment: This sequence change replaces arginine, which is basic and polar, with tryptophan, which is neutral and slightly polar, at codon 721 of the DMD protein (p.Arg721Trp). This variant is not present in population databases (gnomAD no frequency). This variant has not been reported in the literature in individuals affected with DMD-related conditions. Advanced modeling of protein sequence and biophysical properties (such as structural, functional, and spatial information, amino acid conservation, physicochemical variation, residue mobility, and thermodynamic stability) performed at Invitae indicates that this missense variant is not expected to disrupt DMD protein function with a negative predictive value of 95%. In summary, the available evidence is currently insufficient to determine the role of this variant in disease. Therefore, it has been classified as a Variant of Uncertain Significance.

NM_004006.3(DMD):c.2161A>T (p.Arg721Trp)

Gene: DMD (dystrophin; minus strand). Cytogenetic location: Xp21.1.
Variant type: single nucleotide variant.
Coding change: c.2161A>T on transcript NM_004006.3 (MANE Select); coding-DNA position 2161, A replaced by T.
Protein change: p.Arg721Trp; replaces arginine 721 with tryptophan.
Molecular consequence: missense variant.
Genome position (GRCh38, 1-based): chrX:32,545,166, T>A on the plus strand (A>T on the coding strand, the complement: DMD is on the minus strand). VCF-style: chrX-32545166-T-A. GRCh37 (hg19) VCF-style: chrX-32563283-T-A.
Other names: c.2137A>T, p.Arg713Trp (NM_000109.4); c.2149A>T, p.Arg717Trp (NM_004009.3); c.1792A>T, p.Arg598Trp (NM_004010.3); short protein forms R598W, R713W, R721W, R717W.
Identifiers: ClinVar variation 3673368 (VCV003673368.2).